The following is an entry in ClinVar:

ClinVar aggregate classification (germline): Uncertain significance (1 of 4 stars; one submission).

Conditions:
Infantile-onset ascending hereditary spastic paralysis (IAHSP). Also called: Infantile-Onset Ascending Hereditary Spastic Paralysis (IAHSP); Autosomal Recessive Juvenile Amyotrophic Lateral Sclerosis. Identifiers: Orphanet 293168, MedGen C2931441, MONDO:0011797, OMIM 607225. Disease mechanism: loss of function.

Allele frequency attached by ClinVar (database versions not stated): gnomAD 0.00001; ExAC 0.00002.
gnomAD v4.1: 25 of 1,613,986 alleles (0.0015%); highest among the groups gnomAD compares: Admixed American, 0.005%; no homozygotes.

Submission:

Labcorp Genetics (formerly Invitae), Labcorp
Classification: Uncertain significance for Infantile-onset ascending hereditary spastic paralysis. Last evaluated: 2023-11-27. Review status: criteria provided, single submitter. Criteria: Invitae Variant Classification Sherloc (09022015). Collection method: clinical testing. Allele origin: germline.
Comment: This sequence change replaces arginine, which is basic and polar, with glutamine, which is neutral and polar, at codon 704 of the ALS2 protein (p.Arg704Gln). This variant is present in population databases (rs200088152, gnomAD 0.006%). This variant has not been reported in the literature in individuals affected with ALS2-related conditions. ClinVar contains an entry for this variant (Variation ID: 1497747). Advanced modeling of protein sequence and biophysical properties (such as structural, functional, and spatial information, amino acid conservation, physicochemical variation, residue mobility, and thermodynamic stability) performed at Invitae indicates that this missense variant is not expected to disrupt ALS2 protein function with a negative predictive value of 80%. In summary, the available evidence is currently insufficient to determine the role of this variant in disease. Therefore, it has been classified as a Variant of Uncertain Significance.

NM_020919.4(ALS2):c.2111G>A (p.Arg704Gln)

Gene: ALS2 (alsin Rho guanine nucleotide exchange factor ALS2; minus strand). Cytogenetic location: 2q33.1.
Variant type: single nucleotide variant.
Coding change: c.2111G>A on transcript NM_020919.4 (MANE Select); coding-DNA position 2111, G replaced by A.
Protein change: p.Arg704Gln; replaces arginine 704 with glutamine.
Molecular consequence: missense variant.
Genome position (GRCh38, 1-based): chr2:201,744,317, C>T on the plus strand (G>A on the coding strand, the complement: ALS2 is on the minus strand). VCF-style: chr2-201744317-C-T. GRCh37 (hg19) VCF-style: chr2-202609040-C-T.
Other names: short protein forms R704Q.
Identifiers: ClinVar variation 1497747 (VCV001497747.7), dbSNP rs200088152, ClinGen allele CA2058279.